The following is an entry in ClinVar:

NM_001692.4(ATP6V1B1):c.1378+10G>A

Gene: ATP6V1B1 (ATPase H+ transporting V1 subunit B1; plus strand). Cytogenetic location: 2p13.3.
Variant type: single nucleotide variant.
Coding change: c.1378+10G>A on transcript NM_001692.4 (MANE Select); 10 bases into the intron after coding-DNA position 1378, G replaced by A.
Molecular consequence: intron variant.
Genome position (GRCh38, 1-based): chr2:70,964,875, G>A. VCF-style: chr2-70964875-G-A. GRCh37 (hg19) VCF-style: chr2-71192005-G-A.
Identifiers: ClinVar variation 738687 (VCV000738687.14), dbSNP rs782676816, ClinGen allele CA1701340.
Genomic context (GRCh38, chr2:70,964,875, plus strand): 5'-TGCTCTACCTGGAATTCCTGCAGAAGTTTGAGAAGAACTTCATCAATCAGGGTAAGGCGC[G>A]TCGCTGGTGTGGAGCCAGTAACCTCTTCACCCTCCTTCCGCCCCACACACATTCCTAACA-3'

ClinVar aggregate classification (germline): Likely benign. Review status: criteria provided, single submitter (1 of 4 stars). 3 submissions from 3 submitters: Likely benign (1). 2 of the submissions do not count toward it. Last evaluated 2026-01-11.

Conditions:
Renal tubular acidosis with progressive nerve deafness. Also called: renal tubular acidosis, distal, 2, with progressive sensorineural hearing loss; Distal Renal Tubular Acidosis with Progressive Sensorineural Deafness; RENAL TUBULAR ACIDOSIS, AUTOSOMAL RECESSIVE, WITH PROGRESSIVE NERVE DEAFNESS; RTA WITH PROGRESSIVE NERVE DEAFNESS. Identifiers: MedGen C0403554, MONDO:0009968, OMIM 267300.
ATP6V1B1-related disorder. Also called: ATP6V1B1-related condition.

Allele frequency attached by ClinVar (database versions not stated): gnomAD exomes 0.00006 and 0.00026; gnomAD 0.00011 and 0.00013; ExAC 0.00012; TOPMed 0.00013.
gnomAD v4.1: 111 of 1,613,930 alleles (0.0069%); highest among the groups gnomAD compares: Admixed American, 0.16%; no homozygotes.

Submissions (3):

Labcorp Genetics (formerly Invitae), Labcorp
Classification: Likely benign. Last evaluated: 2026-01-11. Review status: criteria provided, single submitter. Criteria: Invitae Variant Classification Sherloc (09022015). Collection method: clinical testing. Allele origin: germline.

Natera, Inc.
Classification: Uncertain significance for Renal tubular acidosis with progressive nerve deafness. Last evaluated: 2020-04-24. Review status: no assertion criteria provided. Collection method: clinical testing. Allele origin: germline. Not counted in ClinVar's aggregate classification.

PreventionGenetics, part of Exact Sciences
Classification: Likely benign for ATP6V1B1-related condition. Last evaluated: 2019-12-17. Review status: no assertion criteria provided. Collection method: clinical testing. Allele origin: germline. Not counted in ClinVar's aggregate classification.
Comment: This variant is classified as likely benign based on ACMG/AMP sequence variant interpretation guidelines (Richards et al. 2015 PMID: 25741868, with internal and published modifications).